The following is an entry in ClinVar:

NM_000051.4(ATM):c.559G>A (p.Val187Met)

Gene: ATM (ATM serine/threonine kinase; plus strand). Cytogenetic location: 11q22.3.
Variant type: single nucleotide variant.
Coding change: c.559G>A on transcript NM_000051.4 (MANE Select); coding-DNA position 559, G replaced by A.
Protein change: p.Val187Met; replaces valine 187 with methionine.
Molecular consequence: missense variant.
Genome position (GRCh38, 1-based): chr11:108,244,015, G>A. VCF-style: chr11-108244015-G-A. GRCh37 (hg19) VCF-style: chr11-108114742-G-A.
Other names: c.559G>A, p.Val187Met (NM_001351834.2); short protein forms V187M.
Identifiers: ClinVar variation 407580 (VCV000407580.17), dbSNP rs1060501614, ClinGen allele CA16613050.

ClinVar aggregate classification (germline): Uncertain significance. Review status: criteria provided, multiple submitters, no conflicts (2 of 4 stars). 3 submissions from 3 submitters: Uncertain significance (3). Last evaluated 2025-07-21.

Conditions:
Hereditary cancer-predisposing syndrome. Also called: Hereditary neoplastic syndrome; Neoplastic Syndromes, Hereditary; Tumor predisposition; Hereditary Cancer Syndrome. Identifiers: Orphanet 140162, MedGen C0027672, MeSH D009386, MONDO:0015356.
Ataxia-telangiectasia syndrome (AT). Also called: Ataxia telangiectasia (A-T); LOUIS-BAR SYNDROME; Cerebello-oculocutaneous telangiectasia; Immunodeficiency with ataxia telangiectasia; Ataxia-telangiectasia, complementation group D; AT, COMPLEMENTATION GROUP C. Identifiers: Orphanet 100, MedGen C0004135, MONDO:0008840, OMIM 208900.

Submissions (3):

Labcorp Genetics (formerly Invitae), Labcorp
Classification: Uncertain significance for Ataxia-telangiectasia syndrome. Last evaluated: 2025-07-21. Review status: criteria provided, single submitter. Criteria: Invitae Variant Classification Sherloc (09022015). Collection method: clinical testing. Allele origin: germline.
Comment: This sequence change replaces valine, which is neutral and non-polar, with methionine, which is neutral and non-polar, at codon 187 of the ATM protein (p.Val187Met). This variant is not present in population databases (gnomAD no frequency). This variant has not been reported in the literature in individuals affected with ATM-related conditions. ClinVar contains an entry for this variant (Variation ID: 407580). Invitae Evidence Modeling of protein sequence and biophysical properties (such as structural, functional, and spatial information, amino acid conservation, physicochemical variation, residue mobility, and thermodynamic stability) indicates that this missense variant is not expected to disrupt ATM protein function with a negative predictive value of 95%. In summary, the available evidence is currently insufficient to determine the role of this variant in disease. Therefore, it has been classified as a Variant of Uncertain Significance.

Color Diagnostics, LLC DBA Color Health
Classification: Uncertain significance for Hereditary cancer-predisposing syndrome. Last evaluated: 2023-12-04. Review status: criteria provided, single submitter. Criteria: ACMG Guidelines, 2015. Collection method: clinical testing. Allele origin: germline.
Comment: This missense variant replaces valine with methionine at codon 187 of the ATM protein. Computational prediction suggests that this variant may not impact protein structure and function (internally defined REVEL score threshold <= 0.5, PMID: 27666373). To our knowledge, functional studies have not been reported for this variant. This variant has not been reported in individuals affected with ATM-related disorders in the literature. This variant has not been identified in the general population by the Genome Aggregation Database (gnomAD). The available evidence is insufficient to determine the role of this variant in disease conclusively. Therefore, this variant is classified as a Variant of Uncertain Significance.

Ambry Genetics
Classification: Uncertain significance for Hereditary cancer-predisposing syndrome. Last evaluated: 2021-09-17. Review status: criteria provided, single submitter. Criteria: Ambry Variant Classification Scheme 2023. Collection method: clinical testing. Allele origin: germline.
Comment: The p.V187M variant (also known as c.559G>A), located in coding exon 5 of the ATM gene, results from a G to A substitution at nucleotide position 559. The valine at codon 187 is replaced by methionine, an amino acid with highly similar properties. This amino acid position is conserved. In addition, the in silico prediction for this alteration is inconclusive. Since supporting evidence is limited at this time, the clinical significance of this alteration remains unclear.